The following is an entry in ClinVar:

ClinVar aggregate classification (germline): Uncertain significance (1 of 4 stars; one submission).

Conditions:
Intellectual developmental disorder, X-linked, syndromic, Claes-Jensen type. Also called: INTELLECTUAL DEVELOPMENTAL DISORDER, X-LINKED, SYNDROMIC 16; MENTAL RETARDATION, X-LINKED, SYNDROMIC 16; Syndromic X-linked intellectual disability Claes-Jensen type. Identifiers: Orphanet 85279, MedGen C1845243, MONDO:0010355, OMIM 300534.

Allele frequency attached by ClinVar (database versions not stated): TOPMed below 0.00001.
gnomAD v4.1: 6 of 1,211,320 alleles (0.0005%); highest among the groups gnomAD compares: East Asian, 0.012%; no homozygotes.

Submission:

New York Genome Center
Classification: Uncertain significance for Intellectual developmental disorder, X-linked, syndromic, Claes-Jensen type. Last evaluated: 2020-05-07. Review status: criteria provided, single submitter. Criteria: NYGC Assertion Criteria 2020. Collection method: clinical testing. Allele origin: inherited. Observed: 1 hemizygote. Study: CSER-NYCKidSeq.
Comment: This variant is absent from gnomAD(v3.0) suggesting it is not a common benign variant in the populations represented in that database. In silico algorithms predict this variant to be Neutral (Provean; score:0.09) and Tolerated (SIFT; score:0.123) to the function of the canonical transcript. This variant is absent from ClinVar and to our current knowledge has not been reported in affected individuals in the literature. The p.Lys289 reside is not within a mapped domain of KDM5C (UniProtKB: P41229). Given the lack of compelling evidence for its pathogenicity, the hemizygous inherited c.865A>G (p.Lys289Glu)identified in the KDM5C gene is reported here as a Variant of Uncertain Significance.

NM_004187.5(KDM5C):c.865A>G (p.Lys289Glu)

Gene: KDM5C (lysine demethylase 5C; minus strand). Cytogenetic location: Xp11.22.
Variant type: single nucleotide variant.
Coding change: c.865A>G on transcript NM_004187.5 (MANE Select); coding-DNA position 865, A replaced by G.
Protein change: p.Lys289Glu; replaces lysine 289 with glutamic acid.
Molecular consequence: missense variant. On other transcripts: non-coding transcript variant (3).
Genome position (GRCh38, 1-based): chrX:53,215,893, T>C on the plus strand (A>G on the coding strand, the complement: KDM5C is on the minus strand). VCF-style: chrX-53215893-T-C. GRCh37 (hg19) VCF-style: chrX-53245075-T-C.
Other names: c.664A>G, p.Lys222Glu (NM_001146702.2); c.862A>G, p.Lys288Glu (NM_001282622.3, NM_001353979.2, NM_001353982.2); c.865A>G, p.Lys289Glu (NM_001353978.3, NM_001353981.2, NM_001353984.2); short protein forms K222E, K288E, K289E.
Identifiers: ClinVar variation 1098622 (VCV001098622.1), dbSNP rs782081983, ClinGen allele CA10419612.